The following is an entry in ClinVar:

NM_002047.4(GARS1):c.436G>A (p.Gly146Ser)

Gene: GARS1 (glycyl-tRNA synthetase 1; plus strand). Cytogenetic location: 7p14.3.
Variant type: single nucleotide variant.
Coding change: c.436G>A on transcript NM_002047.4 (MANE Select); coding-DNA position 436, G replaced by A.
Protein change: p.Gly146Ser; replaces glycine 146 with serine.
Molecular consequence: missense variant.
Genome position (GRCh38, 1-based): chr7:30,601,067, G>A. VCF-style: chr7-30601067-G-A. GRCh37 (hg19) VCF-style: chr7-30640683-G-A.
Other names: c.274G>A, p.Gly92Ser (NM_001316772.1); short protein forms G146S, G92S.
Identifiers: ClinVar variation 1680897 (VCV001680897.8), dbSNP rs1309618721, ClinGen allele CA367139332.

ClinVar aggregate classification (germline): Uncertain significance (1 of 4 stars; one submission).

Conditions:
Charcot-Marie-Tooth disease type 2. Also called: Charcot-Marie-Tooth type 2. Identifiers: Orphanet 64746, MedGen C0270914, MONDO:0018993.

Allele frequency attached by ClinVar (database versions not stated): gnomAD 0.00001; TOPMed below 0.00001.
gnomAD v4.1: 1 of 1,613,708 alleles (0.000062%); highest among the groups gnomAD compares: Non-Finnish European, 0.000085%; no homozygotes.

Submission:

Labcorp Genetics (formerly Invitae), Labcorp
Classification: Uncertain significance for Charcot-Marie-Tooth disease type 2. Last evaluated: 2022-08-15. Review status: criteria provided, single submitter. Criteria: Invitae Variant Classification Sherloc (09022015). Collection method: clinical testing. Allele origin: germline.
Comment: In summary, the available evidence is currently insufficient to determine the role of this variant in disease. Therefore, it has been classified as a Variant of Uncertain Significance. This sequence change replaces glycine, which is neutral and non-polar, with serine, which is neutral and polar, at codon 146 of the GARS protein (p.Gly146Ser). This variant is not present in population databases (gnomAD no frequency). This variant has not been reported in the literature in individuals affected with GARS-related conditions. ClinVar contains an entry for this variant (Variation ID: 1680897). Algorithms developed to predict the effect of missense changes on protein structure and function (SIFT, PolyPhen-2, Align-GVGD) all suggest that this variant is likely to be disruptive.